The following is an entry in ClinVar:

ClinVar aggregate classification (germline): Uncertain significance (1 of 4 stars; one submission).

Conditions:
Congenital myasthenic syndrome 2A. Also called: Myasthenic syndrome, congenital, 2a, slow-channel. Identifiers: Orphanet 590, MedGen C4225374, MONDO:0014581, OMIM 616313.

gnomAD v4.1: 1 of 1,614,012 alleles (0.000062%); highest among the groups gnomAD compares: Non-Finnish European, 0.000085%; no homozygotes.

Submission:

Labcorp Genetics (formerly Invitae), Labcorp
Classification: Uncertain significance for Congenital myasthenic syndrome 2A. Last evaluated: 2025-12-19. Review status: criteria provided, single submitter. Criteria: Invitae Variant Classification Sherloc (09022015). Collection method: clinical testing. Allele origin: germline.
Comment: This sequence change replaces phenylalanine, which is neutral and non-polar, with valine, which is neutral and non-polar, at codon 399 of the CHRNB1 protein (p.Phe399Val). This variant is not present in population databases (gnomAD no frequency). This variant has not been reported in the literature in individuals affected with CHRNB1-related conditions. Invitae Evidence Modeling of protein sequence and biophysical properties (such as structural, functional, and spatial information, amino acid conservation, physicochemical variation, residue mobility, and thermodynamic stability) indicates that this missense variant is not expected to disrupt CHRNB1 protein function with a negative predictive value of 80%. In summary, the available evidence is currently insufficient to determine the role of this variant in disease. Therefore, it has been classified as a Variant of Uncertain Significance.

NM_000747.3(CHRNB1):c.1195T>G (p.Phe399Val)

Gene: CHRNB1 (cholinergic receptor nicotinic beta 1 subunit; plus strand). Cytogenetic location: 17p13.1.
Variant type: single nucleotide variant.
Coding change: c.1195T>G on transcript NM_000747.3 (MANE Select); coding-DNA position 1195, T replaced by G.
Protein change: p.Phe399Val; replaces phenylalanine 399 with valine.
Molecular consequence: missense variant.
Genome position (GRCh38, 1-based): chr17:7,455,434, T>G. VCF-style: chr17-7455434-T-G. GRCh37 (hg19) VCF-style: chr17-7358753-T-G.
Other names: short protein forms F399V.
Identifiers: ClinVar variation 4739824 (VCV004739824.1).